The following is an entry in ClinVar:

ClinVar aggregate classification (germline): Uncertain significance (1 of 4 stars; one submission).

gnomAD v4.1: 9 of 1,614,000 alleles (0.00056%); highest among the groups gnomAD compares: Admixed American, 0.0033%; no homozygotes.

Submission:

Labcorp Genetics (formerly Invitae), Labcorp
Classification: Uncertain significance. Last evaluated: 2025-05-27. Review status: criteria provided, single submitter. Criteria: Invitae Variant Classification Sherloc (09022015). Collection method: clinical testing. Allele origin: germline.
Comment: This sequence change replaces glycine, which is neutral and non-polar, with arginine, which is basic and polar, at codon 722 of the RASA2 protein (p.Gly722Arg). This variant is present in population databases (no rsID available, gnomAD 0.003%). This variant has not been reported in the literature in individuals affected with RASA2-related conditions. Invitae Evidence Modeling of protein sequence and biophysical properties (such as structural, functional, and spatial information, amino acid conservation, physicochemical variation, residue mobility, and thermodynamic stability) indicates that this missense variant is expected to disrupt RASA2 protein function with a positive predictive value of 80%. Algorithms developed to predict the effect of sequence changes on RNA splicing suggest that this variant may disrupt the consensus splice site. In summary, the available evidence is currently insufficient to determine the role of this variant in disease. Therefore, it has been classified as a Variant of Uncertain Significance.

NM_006506.5(RASA2):c.2164G>A (p.Gly722Arg)

Gene: RASA2 (RAS p21 protein activator 2; plus strand). Cytogenetic location: 3q23.
Variant type: single nucleotide variant.
Coding change: c.2164G>A on transcript NM_006506.5 (MANE Select); coding-DNA position 2164, G replaced by A.
Protein change: p.Gly722Arg; replaces glycine 722 with arginine.
Molecular consequence: missense variant.
Genome position (GRCh38, 1-based): chr3:141,608,636, G>A. VCF-style: chr3-141608636-G-A. GRCh37 (hg19) VCF-style: chr3-141327478-G-A.
Other names: c.2167G>A, p.Gly723Arg (NM_001303245.3); c.2176G>A, p.Gly726Arg (NM_001303246.3); short protein forms G722R, G723R, G726R.
Identifiers: ClinVar variation 4726704 (VCV004726704.1).